The following is an entry in ClinVar:

NM_000059.4(BRCA2):c.7436-19A>G

Gene: BRCA2 (BRCA2 DNA repair associated; plus strand). Cytogenetic location: 13q13.1.
Variant type: single nucleotide variant.
Coding change: c.7436-19A>G on transcript NM_000059.4 (MANE Select); 19 bases into the intron before coding-DNA position 7436, A replaced by G.
Molecular consequence: intron variant.
Genome position (GRCh38, 1-based): chr13:32,356,409, A>G. VCF-style: chr13-32356409-A-G. GRCh37 (hg19) VCF-style: chr13-32930546-A-G.
Other names: IVS14-19A>G.
Identifiers: ClinVar variation 91479 (VCV000091479.18), dbSNP rs398122583, ClinGen allele CA025084.

ClinVar aggregate classification (germline): Conflicting classifications of pathogenicity. Review status: criteria provided, conflicting classifications (1 of 4 stars). 6 submissions from 6 submitters: Uncertain significance (1); Likely benign (3). 2 of the submissions do not count toward it. Last evaluated 2025-12-08.

Conditions:
Hereditary breast ovarian cancer syndrome. Also called: Hereditary breast and ovarian cancer syndrome; Hereditary breast and/or ovarian cancer syndrome; Hereditary breast and ovarian cancer; Hereditary breast and ovarian cancer syndrome (HBOC); Breast and ovarian cancer; BRCA1- and BRCA2-Associated Hereditary Breast and Ovarian Cancer. Identifiers: Orphanet 145, MedGen C0677776, MeSH D061325, MONDO:0003582. Disease mechanism: loss of function.
Breast-ovarian cancer, familial, susceptibility to, 2 (BROVCA2). Also called: BRCA2 Hereditary Breast and Ovarian Cancer. Identifiers: Orphanet 145, MedGen C2675520, MONDO:0012933, OMIM 612555. Disease mechanism: loss of function.

Allele frequency attached by ClinVar (database versions not stated): gnomAD exomes below 0.00001.
gnomAD v4.1: 2 of 1,607,988 alleles (0.00012%); highest among the groups gnomAD compares: Non-Finnish European, 0.00017%; no homozygotes.

Submissions (6):

Labcorp Genetics (formerly Invitae), Labcorp
Classification: Likely benign for Hereditary breast ovarian cancer syndrome. Last evaluated: 2025-12-08. Review status: criteria provided, single submitter. Criteria: Invitae Variant Classification Sherloc (09022015). Collection method: clinical testing. Allele origin: germline.

Myriad Genetics, Inc.
Classification: Likely benign for Breast-ovarian cancer, familial, susceptibility to, 2. Last evaluated: 2025-10-20. Review status: criteria provided, single submitter. Criteria: Myriad Autosomal Dominant, Autosomal Recessive and X-Linked Classification Criteria (2023). Collection method: clinical testing. Allele origin: unknown.
Comment: This variant is considered likely benign. This variant is strongly associated with less severe personal and family histories of cancer, typical for individuals without pathogenic variants in this gene [PMID: 25085752].

Women's Health and Genetics/Laboratory Corporation of America, LabCorp
Classification: Likely benign. Last evaluated: 2024-01-15. Review status: criteria provided, single submitter. Criteria: LabCorp Variant Classification Summary - May 2015. Collection method: clinical testing. Allele origin: germline.

Blueprint Genetics
Classification: Uncertain significance. Last evaluated: 2022-03-02. Review status: criteria provided, single submitter. Criteria: ACMG Guidelines, 2015. Collection method: clinical testing. Allele origin: germline.

Counsyl
Classification: Uncertain significance for Breast-ovarian cancer, familial, susceptibility to, 2. Last evaluated: 2016-02-25. Review status: no assertion criteria provided. Collection method: clinical testing. Allele origin: unknown. Not counted in ClinVar's aggregate classification.

Sharing Clinical Reports Project (SCRP)
Classification: Uncertain significance for Breast-ovarian cancer, familial 2. Last evaluated: 2012-10-26. Review status: no assertion criteria provided. Collection method: clinical testing. Allele origin: germline. Not counted in ClinVar's aggregate classification.

Literature cited by the submitters: PubMed 25085752 (cited by Myriad Genetics, Inc.).